The following is an entry in ClinVar:

NC_000003.11:g.(?_81584336)_(81810678_?)del

Gene: GBE1 (1,4-alpha-glucan branching enzyme 1; minus strand). Cytogenetic location: 3p12.2.
Variant type: Deletion.
Identifiers: ClinVar variation 1076129 (VCV001076129.5).

ClinVar aggregate classification (germline): Pathogenic (1 of 4 stars; one submission).

Conditions:
Glycogen storage disease, type IV (GSD4). Also called: Glycogen storage disease due to glycogen branching enzyme deficiency; AMYLOPECTINOSIS; ANDERSEN DISEASE; BRANCHER DEFICIENCY; CIRRHOSIS, FAMILIAL, WITH DEPOSITION OF ABNORMAL GLYCOGEN; GBE1 DEFICIENCY. Identifiers: Orphanet 367, MedGen C0017923, MONDO:0009292, OMIM 232500.
Glycogen storage disease IV, classic hepatic. Also called: GSD IV, CLASSIC HEPATIC. Identifiers: MedGen C1856301.

Submission:

Labcorp Genetics (formerly Invitae), Labcorp
Classification: Pathogenic for Glycogen storage disease, type IV; Glycogen storage disease IV, classic hepatic. Last evaluated: 2021-01-08. Review status: criteria provided, single submitter. Criteria: Invitae Variant Classification Sherloc (09022015). Collection method: clinical testing. Allele origin: germline.
Comment: For these reasons, this variant has been classified as Pathogenic. This variant has not been reported in the literature in individuals with GBE1-related conditions. This variant is a gross deletion of the genomic region encompassing exon(s) 1-14 of the GBE1 gene, which includes the initiator codon. The 5' end of this event is unknown as it extends beyond the assayed region for this gene and therefore may encompass additional genes. The 3' boundary is likely confined to intron 14 of the GBE1 gene. It is expected to result in an absent or disrupted protein product. Loss-of-function variants in GBE1 are known to be pathogenic (PMID: 15452297, 20058079).

Literature cited by the submitters: PubMed 15452297; PubMed 20058079.